The following is an entry in ClinVar:

NM_000136.3(FANCC):c.929A>G (p.Glu310Gly)

Genes: AOPEP (aminopeptidase O (putative); plus strand), FANCC (FA complementation group C; minus strand). Cytogenetic location: 9q22.32.
Variant type: single nucleotide variant.
Coding change: c.929A>G on transcript NM_000136.3 (MANE Select); coding-DNA position 929, A replaced by G.
Protein change: p.Glu310Gly; replaces glutamic acid 310 with glycine.
Molecular consequence: missense variant.
Genome position (GRCh38, 1-based): chr9:95,125,153, T>C on the plus strand (A>G on the coding strand, the complement: FANCC is on the minus strand). VCF-style: chr9-95125153-T-C. GRCh37 (hg19) VCF-style: chr9-97887435-T-C.
Other names: c.929A>G, p.Glu310Gly (NM_001243743.2, NM_001243744.2); short protein forms E310G.
Identifiers: ClinVar variation 4254375 (VCV004254375.1).

ClinVar aggregate classification (germline): Uncertain significance (1 of 4 stars; one submission).

Conditions:
Hereditary cancer-predisposing syndrome. Also called: Hereditary Cancer Syndrome; Hereditary neoplastic syndrome; Neoplastic Syndromes, Hereditary; Tumor predisposition. Identifiers: Orphanet 140162, MedGen C0027672, MeSH D009386, MONDO:0015356.

gnomAD v4.1: 1 of 1,614,222 alleles (0.000062%); highest among the groups gnomAD compares: Non-Finnish European, 0.000085%; no homozygotes.

Submission:

Ambry Genetics
Classification: Uncertain significance for Hereditary cancer-predisposing syndrome. Last evaluated: 2025-06-19. Review status: criteria provided, single submitter. Criteria: Ambry Variant Classification Scheme 2023. Collection method: clinical testing. Allele origin: germline.
Comment: The p.E310G variant (also known as c.929A>G), located in coding exon 9 of the FANCC gene, results from an A to G substitution at nucleotide position 929. The glutamic acid at codon 310 is replaced by glycine, an amino acid with similar properties. This amino acid position is conserved. In addition, the in silico prediction for this alteration is inconclusive. Based on the available evidence, the clinical significance of this variant remains unclear.